The following is an entry in ClinVar:

ClinVar aggregate classification (germline): Uncertain significance (1 of 4 stars; one submission).

Allele frequency attached by ClinVar (database versions not stated): gnomAD exomes below 0.00001.
gnomAD v4.1: 3 of 1,614,052 alleles (0.00019%); highest among the groups gnomAD compares: Admixed American, 0.0017%; no homozygotes.

Submission:

Labcorp Genetics (formerly Invitae), Labcorp
Classification: Uncertain significance. Last evaluated: 2022-02-12. Review status: criteria provided, single submitter. Criteria: Invitae Variant Classification Sherloc (09022015). Collection method: clinical testing. Allele origin: germline.
Comment: Algorithms developed to predict the effect of missense changes on protein structure and function are either unavailable or do not agree on the potential impact of this missense change (SIFT: "Deleterious"; PolyPhen-2: "Benign"; Align-GVGD: "Class C0"). This variant has not been reported in the literature in individuals affected with MBTPS1-related conditions. This variant is present in population databases (no rsID available, gnomAD 0.003%). This sequence change replaces aspartic acid, which is acidic and polar, with glycine, which is neutral and non-polar, at codon 663 of the MBTPS1 protein (p.Asp663Gly). In summary, the available evidence is currently insufficient to determine the role of this variant in disease. Therefore, it has been classified as a Variant of Uncertain Significance. Algorithms developed to predict the effect of sequence changes on RNA splicing suggest that this variant may create or strengthen a splice site.

NM_003791.4(MBTPS1):c.1988A>G (p.Asp663Gly)

Gene: MBTPS1 (membrane bound transcription factor peptidase, site 1; minus strand). Cytogenetic location: 16q23.3.
Variant type: single nucleotide variant.
Coding change: c.1988A>G on transcript NM_003791.4 (MANE Select); coding-DNA position 1988, A replaced by G.
Protein change: p.Asp663Gly; replaces aspartic acid 663 with glycine.
Molecular consequence: missense variant.
Genome position (GRCh38, 1-based): chr16:84,068,422, T>C on the plus strand (A>G on the coding strand, the complement: MBTPS1 is on the minus strand). VCF-style: chr16-84068422-T-C. GRCh37 (hg19) VCF-style: chr16-84102027-T-C.
Other names: short protein forms D663G.
Identifiers: ClinVar variation 1901512 (VCV001901512.5), dbSNP rs1271346261, ClinGen allele CA396929108.